The following is an entry in ClinVar:

NM_032229.3(SLITRK6):c.2382C>T (p.His794=)

Gene: SLITRK6 (SLIT and NTRK like family member 6; minus strand). Cytogenetic location: 13q31.1.
Variant type: single nucleotide variant.
Coding change: c.2382C>T on transcript NM_032229.3 (MANE Select); coding-DNA position 2382, C replaced by T.
Protein change: p.His794=; no amino-acid change (histidine 794 retained).
Molecular consequence: synonymous variant.
Genome position (GRCh38, 1-based): chr13:85,794,127, G>A on the plus strand (C>T on the coding strand, the complement: SLITRK6 is on the minus strand). VCF-style: chr13-85794127-G-A. GRCh37 (hg19) VCF-style: chr13-86368262-G-A.
Identifiers: ClinVar variation 2643873 (VCV002643873.24), dbSNP rs754068038, ClinGen allele CA7014911.

ClinVar aggregate classification (germline): Likely benign (1 of 4 stars; one submission).

Allele frequency attached by ClinVar (database versions not stated): ExAC 0.00002; TOPMed 0.00002; gnomAD 0.00003.
gnomAD v4.1: 19 of 1,612,762 alleles (0.0012%); highest among the groups gnomAD compares: South Asian, 0.0066%; no homozygotes.

Submission:

CeGaT Center for Human Genetics Tuebingen
Classification: Likely benign. Last evaluated: 2022-05-01. Review status: criteria provided, single submitter. Criteria: CeGaT Center For Human Genetics Tuebingen Variant Classification Criteria Version 2. Collection method: clinical testing. Allele origin: germline. Affected: yes. Observed: 1 variant allele.
Comment: SLITRK6: BP4, BP7